The following is an entry in ClinVar:

ClinVar aggregate classification (germline): Uncertain significance. Review status: criteria provided, multiple submitters, no conflicts (2 of 4 stars). 2 submissions from 2 submitters: Uncertain significance (2). Last evaluated 2025-06-29.

Conditions:
Cardiovascular phenotype. Identifiers: MedGen CN230736.

gnomAD v4.1: 28 of 1,614,038 alleles (0.0017%); highest among the groups gnomAD compares: Non-Finnish European, 0.0023%; no homozygotes.

Submissions (2):

Labcorp Genetics (formerly Invitae), Labcorp
Classification: Uncertain significance. Last evaluated: 2025-06-29. Review status: criteria provided, single submitter. Criteria: Invitae Variant Classification Sherloc (09022015). Collection method: clinical testing. Allele origin: germline.
Comment: This sequence change replaces glutamic acid, which is acidic and polar, with glutamine, which is neutral and polar, at codon 292 of the ALPK3 protein (p.Glu292Gln). This variant is present in population databases (rs780318912, gnomAD 0.007%). This variant has not been reported in the literature in individuals affected with ALPK3-related conditions. ClinVar contains an entry for this variant (Variation ID: 1764531). An algorithm developed to predict the effect of missense changes on protein structure and function outputs the following: PolyPhen-2: "Possibly Damaging". The glutamine amino acid residue is found in multiple mammalian species, which suggests that this missense change does not adversely affect protein function. In summary, the available evidence is currently insufficient to determine the role of this variant in disease. Therefore, it has been classified as a Variant of Uncertain Significance.

Ambry Genetics
Classification: Uncertain significance for Cardiovascular phenotype. Last evaluated: 2023-02-16. Review status: criteria provided, single submitter. Criteria: Ambry Variant Classification Scheme 2023. Collection method: clinical testing. Allele origin: germline.
Comment: The p.E292Q variant (also known as c.874G>C), located in coding exon 3 of the ALPK3 gene, results from a G to C substitution at nucleotide position 874. The glutamic acid at codon 292 is replaced by glutamine, an amino acid with highly similar properties. This amino acid position is well conserved in available vertebrate species; however, glutamine is the reference amino acid in other vertebrate species. In addition, this alteration is predicted to be tolerated by in silico analysis. Since supporting evidence is limited at this time, the clinical significance of this alteration remains unclear.

NM_020778.5(ALPK3):c.268G>C (p.Glu90Gln)

Gene: ALPK3 (alpha kinase 3; plus strand). Cytogenetic location: 15q25.3.
Variant type: single nucleotide variant.
Coding change: c.268G>C on transcript NM_020778.5 (MANE Select); coding-DNA position 268, G replaced by C.
Protein change: p.Glu90Gln; replaces glutamic acid 90 with glutamine.
Molecular consequence: missense variant.
Genome position (GRCh38, 1-based): chr15:84,827,569, G>C. VCF-style: chr15-84827569-G-C. GRCh37 (hg19) VCF-style: chr15-85370800-G-C.
Other names: short protein forms E90Q.
Identifiers: ClinVar variation 1764531 (VCV001764531.8), dbSNP rs780318912, ClinGen allele CA7708910.
Genomic context (GRCh38, chr15:84,827,569, plus strand): 5'-CAGCTCACAGAGGAGACCCAGCCGCTATTTGAGACCACGCTCAAGTCCCGGTCTGTGTCC[G>C]AGGACAGCGACGTCAGGTTCACCTGCATCGTCACAGGTAAGGATGCTGTCTGTATGCTCC-3'
Protein context (NP_065829.4, residues 80-100): ETTLKSRSVS[Glu90Gln]DSDVRFTCIV